The following is an entry in ClinVar:

NM_032409.3(PINK1):c.634C>T (p.Pro212Ser)

Gene: PINK1 (PTEN induced kinase 1; plus strand). Cytogenetic location: 1p36.12.
Variant type: single nucleotide variant.
Coding change: c.634C>T on transcript NM_032409.3 (MANE Select); coding-DNA position 634, C replaced by T.
Protein change: p.Pro212Ser; replaces proline 212 with serine.
Molecular consequence: missense variant.
Genome position (GRCh38, 1-based): chr1:20,638,088, C>T. VCF-style: chr1-20638088-C-T. GRCh37 (hg19) VCF-style: chr1-20964581-C-T.
Other names: short protein forms P212S.
Identifiers: ClinVar variation 1511617 (VCV001511617.6), dbSNP rs1159680235, ClinGen allele CA338857723.

ClinVar aggregate classification (germline): Uncertain significance (1 of 4 stars; one submission).

Conditions:
Autosomal recessive early-onset Parkinson disease 6 (PARK6). Also called: PINK1-Related Parkinson Disease; PARKINSON DISEASE 6, MODIFIER OF; PINK1 Type of Young-Onset Parkinson Disease; PARKINSON DISEASE 6, EARLY-ONSET. Identifiers: Orphanet 2828, MedGen C1853833, MONDO:0011613, OMIM 605909.

Allele frequency attached by ClinVar (database versions not stated): gnomAD exomes below 0.00001.
gnomAD v4.1: 2 of 1,613,752 alleles (0.00012%); highest among the groups gnomAD compares: South Asian, 0.0011%; no homozygotes.

Submission:

Labcorp Genetics (formerly Invitae), Labcorp
Classification: Uncertain significance for Autosomal recessive early-onset Parkinson disease 6. Last evaluated: 2022-06-09. Review status: criteria provided, single submitter. Criteria: Invitae Variant Classification Sherloc (09022015). Collection method: clinical testing. Allele origin: germline.
Comment: In summary, the available evidence is currently insufficient to determine the role of this variant in disease. Therefore, it has been classified as a Variant of Uncertain Significance. Algorithms developed to predict the effect of missense changes on protein structure and function output the following: SIFT: "Tolerated"; PolyPhen-2: "Benign"; Align-GVGD: "Class C0". The serine amino acid residue is found in multiple mammalian species, which suggests that this missense change does not adversely affect protein function. This variant has not been reported in the literature in individuals affected with PINK1-related conditions. This variant is not present in population databases (gnomAD no frequency). This sequence change replaces proline, which is neutral and non-polar, with serine, which is neutral and polar, at codon 212 of the PINK1 protein (p.Pro212Ser).